The following is an entry in ClinVar:

NM_000289.6(PFKM):c.1048G>T (p.Glu350Ter)

Gene: PFKM (phosphofructokinase, muscle; plus strand). Cytogenetic location: 12q13.11.
Variant type: single nucleotide variant.
Coding change: c.1048G>T on transcript NM_000289.6 (MANE Select); coding-DNA position 1048, G replaced by T.
Protein change: p.Glu350Ter; replaces glutamic acid 350 with a stop codon.
Molecular consequence: nonsense. On other transcripts: non-coding transcript variant (6), intron variant (1).
Genome position (GRCh38, 1-based): chr12:48,137,832, G>T. VCF-style: chr12-48137832-G-T. GRCh37 (hg19) VCF-style: chr12-48531615-G-T.
Other names: c.1261G>T, p.Glu421Ter (NM_001166686.2, NM_001354737.1, NM_001354738.1 and 1 more transcripts); c.1048G>T, p.Glu350Ter (NM_001166687.2, NM_001166688.2, NM_001354742.2 and 2 more transcripts); c.1357G>T, p.Glu453Ter (NM_001354735.1, NM_001354736.1); c.1192G>T, p.Glu398Ter (NM_001354740.1); c.1072G>T, p.Glu358Ter (NM_001354741.2); c.961G>T, p.Glu321Ter (NM_001354745.2); c.898G>T, p.Glu300Ter (NM_001354747.2, NM_001354748.2); c.955G>T, p.Glu319Ter (NM_001363619.2); and 2 more; short protein forms E300*, E319*, E321*, E350*, E358*, E390*, E398*, E421*.
Identifiers: ClinVar variation 5013937 (VCV005013937.1).
Genomic context (GRCh38, chr12:48,137,832, plus strand): 5'-GATACCCCAGCCTGTGTAGTGAGCCTCTCTGGTAACCAGGCTGTGCGCCTGCCCCTCATG[G>T]AATGTGTCCAGGTGGTAAGTACTGATCCTAAACCCCTTTCTTAACACTCTCAAGCCCCTG-3'

ClinVar aggregate classification (germline): Pathogenic (1 of 4 stars; one submission).

Conditions:
Glycogen storage disease, type VII (GSD7). Also called: GSD VII; MUSCLE PHOSPHOFRUCTOKINASE DEFICIENCY; PFKM DEFICIENCY; TARUI DISEASE. Identifiers: Orphanet 371, MedGen C0017926, MONDO:0009295, OMIM 232800.

Submission:

Myriad Genetics, Inc.
Classification: Pathogenic for Glycogen storage disease, type VII. Last evaluated: 2025-01-09. Review status: criteria provided, single submitter. Criteria: Myriad Autosomal Dominant, Autosomal Recessive and X-Linked Classification Criteria (2023). Collection method: clinical testing. Allele origin: unknown.
Comment: NM_001166686.1(PFKM):c.1261G>T(E421*) is expected to be pathogenic in the context of glycogen storage disease, PFKM-related. This variant is predicted to lead to an abnormal or absent protein product due to the creation of a premature termination codon in PFKM, a gene where loss-of-function variants are known to be pathogenic. Please note: this variant was assessed in the context of healthy population screening.